The following is an entry in ClinVar:

NM_001134407.3(GRIN2A):c.4234T>A (p.Cys1412Ser)

Gene: GRIN2A (glutamate ionotropic receptor NMDA type subunit 2A; minus strand). Cytogenetic location: 16p13.2.
Variant type: single nucleotide variant.
Coding change: c.4234T>A on transcript NM_001134407.3 (MANE Select); coding-DNA position 4234, T replaced by A.
Protein change: p.Cys1412Ser; replaces cysteine 1412 with serine.
Molecular consequence: missense variant. On other transcripts: 3 prime UTR variant (1).
Genome position (GRCh38, 1-based): chr16:9,763,310, A>T on the plus strand (T>A on the coding strand, the complement: GRIN2A is on the minus strand). VCF-style: chr16-9763310-A-T. GRCh37 (hg19) VCF-style: chr16-9857167-A-T.
Other names: c.*45T>A (NM_001134408.2); c.4234T>A, p.Cys1412Ser (NM_000833.5); short protein forms C1412S.
Identifiers: ClinVar variation 1028881 (VCV001028881.1), dbSNP rs1262702313, ClinGen allele CA394705648.

ClinVar aggregate classification (germline): Uncertain significance (1 of 4 stars; one submission).

Conditions:
Landau-Kleffner syndrome (FESD). Also called: APHASIA, ACQUIRED, WITH EPILEPSY; EPILEPSY, FOCAL, WITH SPEECH DISORDER AND WITH OR WITHOUT MENTAL RETARDATION. Identifiers: Orphanet 1945, Orphanet 725, Orphanet 98818, MedGen C0282512, MONDO:0009509, OMIM 245570.

Submission:

Baylor Genetics
Classification: Uncertain significance for Landau-Kleffner syndrome. Last evaluated: 2020-11-05. Review status: criteria provided, single submitter. Criteria: ACMG Guidelines, 2015. Collection method: clinical testing. Allele origin: unknown. Affected: yes.
Comment: This variant was determined to be of uncertain significance according to ACMG Guidelines, 2015 [PMID:25741868].